The following is an entry in ClinVar:

NM_000093.5(COL5A1):c.4259G>A (p.Gly1420Glu)

Gene: COL5A1 (collagen type V alpha 1 chain; plus strand). Cytogenetic location: 9q34.3.
Variant type: single nucleotide variant.
Coding change: c.4259G>A on transcript NM_000093.5 (MANE Select); coding-DNA position 4259, G replaced by A.
Protein change: p.Gly1420Glu; replaces glycine 1420 with glutamic acid.
Molecular consequence: missense variant.
Genome position (GRCh38, 1-based): chr9:134,818,684, G>A. VCF-style: chr9-134818684-G-A. GRCh37 (hg19) VCF-style: chr9-137710530-G-A.
Other names: c.4259G>A, p.Gly1420Glu (NM_001278074.1); short protein forms G1420E.
Identifiers: ClinVar variation 2819678 (VCV002819678.3), dbSNP rs1411367765, ClinGen allele CA375457177.

ClinVar aggregate classification (germline): Uncertain significance (1 of 4 stars; one submission).

Conditions:
Ehlers-Danlos syndrome, classic type, 1 (EDSCL1). Also called: EHLERS-DANLOS SYNDROME, GRAVIS TYPE; EHLERS-DANLOS SYNDROME, SEVERE CLASSIC TYPE; Ehlers-Danlos syndrome, type 1; Ehlers-Danlos Syndrome, Classic Type, COL5A1-Related; EDS I. Identifiers: MedGen C0268335, MONDO:0019567, OMIM 130000.

Allele frequency attached by ClinVar (database versions not stated): gnomAD 0.00001; TOPMed below 0.00001.
gnomAD v4.1: 1 of 1,609,376 alleles (0.000062%); highest among the groups gnomAD compares: Non-Finnish European, 0.000085%; no homozygotes.

Submission:

Labcorp Genetics (formerly Invitae), Labcorp
Classification: Uncertain significance for Ehlers-Danlos syndrome, classic type, 1. Last evaluated: 2023-10-13. Review status: criteria provided, single submitter. Criteria: Invitae Variant Classification Sherloc (09022015). Collection method: clinical testing. Allele origin: germline.
Comment: This sequence change replaces glycine, which is neutral and non-polar, with glutamic acid, which is acidic and polar, at codon 1420 of the COL5A1 protein (p.Gly1420Glu). This variant is not present in population databases (gnomAD no frequency). This variant has not been reported in the literature in individuals affected with COL5A1-related conditions. Advanced modeling of protein sequence and biophysical properties (such as structural, functional, and spatial information, amino acid conservation, physicochemical variation, residue mobility, and thermodynamic stability) performed at Invitae indicates that this missense variant is expected to disrupt COL5A1 protein function. This variant disrupts the triple helix domain of COL5A1. Glycine residues within the Gly-Xaa-Yaa repeats of the triple helix domain are required for the structure and stability of fibrillar collagens (PMID: 7695699, 8218237, 19344236), and variants at these glycine residues in COL5A1 are more frequently observed in individuals with disease than in the general population (PMID: 22696272, 23587214). However, the clinical significance of this observation remains uncertain since only a limited number of affected individuals have been described to date. In summary, the available evidence is currently insufficient to determine the role of this variant in disease. Therefore, it has been classified as a Variant of Uncertain Significance.

Literature cited by the submitters: PubMed 7695699; PubMed 8218237; PubMed 19344236; PubMed 22696272; PubMed 23587214.